The following is an entry in ClinVar:

ClinVar aggregate classification (germline): Conflicting classifications of pathogenicity. Review status: criteria provided, conflicting classifications (1 of 4 stars). 3 submissions from 3 submitters: Uncertain significance (1); Likely benign (2). Last evaluated 2026-04-03.

Conditions:
Early Myoclonic Encephalopathy. Identifiers: MedGen C0270855.
Inborn genetic diseases. Identifiers: MedGen C0950123, MeSH D030342.

Allele frequency attached by ClinVar (database versions not stated): gnomAD exomes 0.00002 and 0.00004; ESP Exome Variant Server 0.00008; gnomAD 0.00008 and 0.00007; 1000 Genomes Project 0.00020; TOPMed 0.00006; ExAC 0.00004; 1000 Genomes Project 30x 0.00016.
gnomAD v4.1: 41 of 1,613,726 alleles (0.0025%); highest among the groups gnomAD compares: African/African-American, 0.0067%; 1 homozygote.

Submissions (3):

Women's Health and Genetics/Laboratory Corporation of America, LabCorp
Classification: Likely benign. Last evaluated: 2026-04-03. Review status: criteria provided, single submitter. Criteria: LabCorp Variant Classification Summary - May 2015. Collection method: clinical testing. Allele origin: germline.

Labcorp Genetics (formerly Invitae), Labcorp
Classification: Uncertain significance for Early Myoclonic Encephalopathy. Last evaluated: 2025-09-03. Review status: criteria provided, single submitter. Criteria: Invitae Variant Classification Sherloc (09022015). Collection method: clinical testing. Allele origin: germline.
Comment: This sequence change replaces arginine, which is basic and polar, with histidine, which is basic and polar, at codon 511 of the KCND2 protein (p.Arg511His). This variant is present in population databases (rs35460901, gnomAD 0.004%). This variant has not been reported in the literature in individuals affected with KCND2-related conditions. ClinVar contains an entry for this variant (Variation ID: 998545). Invitae Evidence Modeling of protein sequence and biophysical properties (such as structural, functional, and spatial information, amino acid conservation, physicochemical variation, residue mobility, and thermodynamic stability) indicates that this missense variant is not expected to disrupt KCND2 protein function with a negative predictive value of 95%. In summary, the available evidence is currently insufficient to determine the role of this variant in disease. Therefore, it has been classified as a Variant of Uncertain Significance.

Ambry Genetics
Classification: Likely benign for Inborn genetic diseases. Last evaluated: 2025-08-10. Review status: criteria provided, single submitter. Criteria: Ambry Variant Classification Scheme 2023. Collection method: clinical testing. Allele origin: germline.

NM_012281.3(KCND2):c.1532G>A (p.Arg511His)

Gene: KCND2 (potassium voltage-gated channel subfamily D member 2; plus strand). Cytogenetic location: 7q31.31.
Variant type: single nucleotide variant.
Coding change: c.1532G>A on transcript NM_012281.3 (MANE Select); coding-DNA position 1532, G replaced by A.
Protein change: p.Arg511His; replaces arginine 511 with histidine.
Molecular consequence: missense variant.
Genome position (GRCh38, 1-based): chr7:120,745,844, G>A. VCF-style: chr7-120745844-G-A. GRCh37 (hg19) VCF-style: chr7-120385898-G-A.
Other names: c.1532G>A (NM_012281.2); short protein forms R511H.
Identifiers: ClinVar variation 998545 (VCV000998545.9), dbSNP rs35460901, ClinGen allele CA4453711.